The following is an entry in ClinVar:

NM_001077653.2(TBX20):c.1258C>T (p.Arg420Ter)

Gene: TBX20 (T-box transcription factor 20; minus strand). Cytogenetic location: 7p14.2.
Variant type: single nucleotide variant.
Coding change: c.1258C>T on transcript NM_001077653.2 (MANE Select); coding-DNA position 1258, C replaced by T.
Protein change: p.Arg420Ter; replaces arginine 420 with a stop codon.
Molecular consequence: nonsense.
Genome position (GRCh38, 1-based): chr7:35,202,516, G>A on the plus strand (C>T on the coding strand, the complement: TBX20 is on the minus strand). VCF-style: chr7-35202516-G-A. GRCh37 (hg19) VCF-style: chr7-35242128-G-A.
Other names: short protein forms R420*.
Identifiers: ClinVar variation 1762326 (VCV001762326.6), dbSNP rs377570351, ClinGen allele CA4217326.

ClinVar aggregate classification (germline): Uncertain significance. Review status: criteria provided, multiple submitters, no conflicts (2 of 4 stars). 3 submissions from 3 submitters: Uncertain significance (3). Last evaluated 2025-04-11.

Conditions:
Cardiovascular phenotype. Identifiers: MedGen CN230736.

Allele frequency attached by ClinVar (database versions not stated): TOPMed 0.00001; ExAC 0.00001; gnomAD 0.00001; ESP Exome Variant Server 0.00008.
gnomAD v4.1: 3 of 1,611,396 alleles (0.00019%); highest among the groups gnomAD compares: African/African-American, 0.0013%; no homozygotes.

Submissions (3):

Labcorp Genetics (formerly Invitae), Labcorp
Classification: Uncertain significance. Last evaluated: 2025-04-11. Review status: criteria provided, single submitter. Criteria: Invitae Variant Classification Sherloc (09022015). Collection method: clinical testing. Allele origin: germline.
Comment: This sequence change creates a premature translational stop signal (p.Arg420*) in the TBX20 gene. While this is not anticipated to result in nonsense mediated decay, it is expected to disrupt the last 28 amino acid(s) of the TBX20 protein. This variant is not present in population databases (gnomAD no frequency). This variant has not been reported in the literature in individuals affected with TBX20-related conditions. ClinVar contains an entry for this variant (Variation ID: 1762326). Experimental studies and prediction algorithms are not available or were not evaluated, and the functional significance of this variant is currently unknown. In summary, the available evidence is currently insufficient to determine the role of this variant in disease. Therefore, it has been classified as a Variant of Uncertain Significance.

GeneDx
Classification: Uncertain significance. Last evaluated: 2023-10-11. Review status: criteria provided, single submitter. Criteria: GeneDx Variant Classification Process June 2021. Collection method: clinical testing. Allele origin: germline. Affected: yes.
Comment: Nonsense variant predicted to result in protein truncation as the last 28 amino acids are lost, although loss-of-function variants have not been reported downstream of this position in the protein; Reported in an individual with LVNC, although patient-specific clinical details were limited (Hirono et al, 2020); Not observed at significant frequency in large population cohorts (gnomAD); This variant is associated with the following publications: (PMID: 32600061)

Ambry Genetics
Classification: Uncertain significance for Cardiovascular phenotype. Last evaluated: 2021-04-09. Review status: criteria provided, single submitter. Criteria: Ambry Variant Classification Scheme 2023. Collection method: clinical testing. Allele origin: germline.
Comment: The p.R420* variant (also known as c.1258C>T), located in coding exon 8 of the TBX20 gene, results from a C to T substitution at nucleotide position 1258. This changes the amino acid from an arginine to a stop codon within coding exon 8. This alteration occurs at the 3' terminus of theTBX20 gene, is not expected to trigger nonsense-mediated mRNAdecay, and only impacts the last 6% (28 amino acids) of the protein. Based on internal structural analysis, this alteration removes a portion of the TBX20 transrepression domain; however, the role of deleted region and functional importance of the domain is unclear (Plageman TF et al. J Biol Chem. 2004 Apr;279(18):19026-34; Lu F et al. Dev Biol. 2017 Jan;421(2):139-148). As such, the exact functional effect of this alteration is unknown. Since supporting evidence is limited at this time, the clinical significance of this alteration remains unclear.

Literature cited by the submitters: PubMed 14978031 (cited by Ambry Genetics); PubMed 27940156 (cited by Ambry Genetics).